The following is an entry in ClinVar:

ClinVar aggregate classification (germline): Uncertain significance (1 of 4 stars; one submission).

Allele frequency attached by ClinVar (database versions not stated): gnomAD exomes below 0.00001; TOPMed 0.00002.

Submission:

Labcorp Genetics (formerly Invitae), Labcorp
Classification: Uncertain significance. Last evaluated: 2023-03-17. Review status: criteria provided, single submitter. Criteria: Invitae Variant Classification Sherloc (09022015). Collection method: clinical testing. Allele origin: germline.
Comment: An algorithm developed to predict the effect of missense changes on protein structure and function (PolyPhen-2) suggests that this variant is likely to be tolerated. This variant is not present in population databases (gnomAD no frequency). This sequence change replaces methionine, which is neutral and non-polar, with isoleucine, which is neutral and non-polar, at codon 1562 of the RP1 protein (p.Met1562Ile). This variant has not been reported in the literature in individuals affected with RP1-related conditions. In summary, the available evidence is currently insufficient to determine the role of this variant in disease. Therefore, it has been classified as a Variant of Uncertain Significance.

NM_006269.2(RP1):c.4686G>A (p.Met1562Ile)

Gene: RP1 (RP1 axonemal microtubule associated; plus strand). Cytogenetic location: 8q12.1.
Variant type: single nucleotide variant.
Coding change: c.4686G>A on transcript NM_006269.2 (MANE Select); coding-DNA position 4686, G replaced by A.
Protein change: p.Met1562Ile; replaces methionine 1562 with isoleucine.
Molecular consequence: missense variant. On other transcripts: intron variant (1).
Genome position (GRCh38, 1-based): chr8:54,628,568, G>A. VCF-style: chr8-54628568-G-A. GRCh37 (hg19) VCF-style: chr8-55541128-G-A.
Other names: c.787+6280G>A (NM_001375654.1); short protein forms M1562I.
Identifiers: ClinVar variation 2890337 (VCV002890337.3), dbSNP rs1459179461, ClinGen allele CA370982958.